The following is an entry in ClinVar:

NM_024577.4(SH3TC2):c.3294C>T (p.Thr1098=)

Gene: SH3TC2 (SH3 domain and tetratricopeptide repeats 2; minus strand). Cytogenetic location: 5q32.
Variant type: single nucleotide variant.
Coding change: c.3294C>T on transcript NM_024577.4 (MANE Select); coding-DNA position 3294, C replaced by T.
Protein change: p.Thr1098=; no amino-acid change (threonine 1098 retained).
Molecular consequence: synonymous variant.
Genome position (GRCh38, 1-based): chr5:149,010,303, G>A on the plus strand (C>T on the coding strand, the complement: SH3TC2 is on the minus strand). VCF-style: chr5-149010303-G-A. GRCh37 (hg19) VCF-style: chr5-148389866-G-A.
Identifiers: ClinVar variation 351900 (VCV000351900.42), dbSNP rs193067884, ClinGen allele CA3498790.

ClinVar aggregate classification (germline): Benign/Likely benign. Review status: criteria provided, multiple submitters, no conflicts (2 of 4 stars). 7 submissions from 6 submitters: Benign (4); Likely benign (3). Last evaluated 2026-02-01.

Conditions:
Susceptibility to mononeuropathy of the median nerve, mild. Also called: CARPAL TUNNEL SYNDROME, SUSCEPTIBILITY TO. Identifiers: MedGen C3150596, MONDO:0013237, OMIM 613353.
Charcot-Marie-Tooth disease type 4C (CMT4C). Also called: Charcot-Marie-Tooth Neuropathy Type 4C (CMT4C); CHARCOT-MARIE-TOOTH DISEASE, DEMYELINATING, TYPE 4C; CHARCOT-MARIE-TOOTH DISEASE, DEMYELINATING, AUTOSOMAL RECESSIVE, TYPE 4C; CMT 4C; SH3TC2-Related Hereditary Motor and Sensory Neuropathy. Identifiers: Orphanet 99949, MedGen C1866636, MONDO:0011113, OMIM 601596.
Inborn genetic diseases. Identifiers: MedGen C0950123, MeSH D030342.
Charcot-Marie-Tooth disease type 4. Also called: Charcot-Marie-Tooth disease, type IV; Charcot-Marie-Tooth, Type 4. Identifiers: Orphanet 64749, MedGen C4082197, MONDO:0018995.
Charcot-Marie-Tooth disease. Also called: Charcot-Marie-Tooth Neuropathy; Charcot-Marie-Tooth Hereditary Neuropathy. Identifiers: Orphanet 166, MedGen C0007959, MONDO:0015626.

Allele frequency attached by ClinVar (database versions not stated): ExAC 0.00110; 1000 Genomes Project 0.00180; 1000 Genomes Project 30x 0.00219; gnomAD 0.00306 and 0.00337; TOPMed 0.00358; gnomAD exomes 0.00035 and 0.00091.
gnomAD v4.1: 1,004 of 1,614,158 alleles (0.062%); highest among the groups gnomAD compares: African/African-American, 1.1%; 6 homozygotes.

Submissions (7):

Labcorp Genetics (formerly Invitae), Labcorp
Classification: Benign for Charcot-Marie-Tooth disease type 4. Last evaluated: 2026-02-01. Review status: criteria provided, single submitter. Criteria: Invitae Variant Classification Sherloc (09022015). Collection method: clinical testing. Allele origin: germline.

CeGaT Center for Human Genetics Tuebingen
Classification: Likely benign. Last evaluated: 2026-01-01. Review status: criteria provided, single submitter. Criteria: CeGaT Center For Human Genetics Tuebingen Variant Classification Criteria Version 2. Collection method: clinical testing. Allele origin: germline. Affected: yes. Observed: 3 variant alleles.
Comment: SH3TC2: BP4, BP7, BS1

Ambry Genetics
Classification: Likely benign for Inborn genetic diseases. Last evaluated: 2019-07-11. Review status: criteria provided, single submitter. Criteria: Ambry Variant Classification Scheme 2023. Collection method: clinical testing. Allele origin: germline.

Illumina Laboratory Services, Illumina
Classification: Benign for Charcot-Marie-Tooth disease type 4C. Last evaluated: 2018-01-13. Review status: criteria provided, single submitter. Criteria: ICSL Variant Classification Criteria 13 December 2019. Collection method: clinical testing. Allele origin: germline.
Comment: This variant was observed in the ICSL laboratory as part of a predisposition screen in an ostensibly healthy population. It had not been previously curated by ICSL or reported in the Human Gene Mutation Database (HGMD: prior to June 1st, 2018), and was therefore a candidate for classification through an automated scoring system. Utilizing variant allele frequency, disease prevalence and penetrance estimates, and inheritance mode, an automated score was calculated to assess if this variant is too frequent to cause the disease. Based on the score and internal cut-off values, a variant classified as benign is not then subjected to further curation. The score for this variant resulted in a classification of benign for this disease.

Illumina Laboratory Services, Illumina
Classification: Benign for Susceptibility to mononeuropathy of the median nerve, mild. Last evaluated: 2018-01-13. Review status: criteria provided, single submitter. Criteria: ICSL Variant Classification Criteria 13 December 2019. Collection method: clinical testing. Allele origin: germline.
Comment: the same text as in the submission from Illumina Laboratory Services, Illumina above.

GeneDx
Classification: Benign. Last evaluated: 2016-07-28. Review status: criteria provided, single submitter. Criteria: GeneDx Variant Classification (06012015). Collection method: clinical testing. Allele origin: germline. Affected: yes.
Comment: This variant is considered likely benign or benign based on one or more of the following criteria: it is a conservative change, it occurs at a poorly conserved position in the protein, it is predicted to be benign by multiple in silico algorithms, and/or has population frequency not consistent with disease.

Molecular Genetics Laboratory, London Health Sciences Centre
Classification: Likely benign for Charcot-Marie-Tooth disease. Review status: criteria provided, single submitter. Criteria: ACMG Guidelines, 2015. Collection method: clinical testing. Allele origin: germline. Affected: yes.